The following is an entry in ClinVar:

NM_152564.5(VPS13B):c.9742+13C>T

Gene: VPS13B (vacuolar protein sorting 13 homolog B; plus strand). Cytogenetic location: 8q22.2.
Variant type: single nucleotide variant.
Coding change: c.9742+13C>T on transcript NM_152564.5 (MANE Select); 13 bases into the intron after coding-DNA position 9742, C replaced by T.
Molecular consequence: intron variant.
Genome position (GRCh38, 1-based): chr8:99,835,337, C>T. VCF-style: chr8-99835337-C-T. GRCh37 (hg19) VCF-style: chr8-100847565-C-T.
Other names: c.9817+13C>T (NM_017890.5).
Identifiers: ClinVar variation 1164436 (VCV001164436.11), dbSNP rs112919682, ClinGen allele CA4824775.
Genomic context (GRCh38, chr8:99,835,337, plus strand): 5'-TCCACAATAGATGTCCAGTAAAAATGCTTATAAAGGAAAACATTAAAGGTATGTTTTATA[C>T]TATCGAATTTAGATAATACTAAATGTGTATTTTTTCTGGGATTTTTTGATTTAGTAGTTA-3'

ClinVar aggregate classification (germline): Benign/Likely benign. Review status: criteria provided, multiple submitters, no conflicts (2 of 4 stars). 3 submissions from 3 submitters: Benign (2); Likely benign (1). Last evaluated 2026-04-01.

Conditions:
Cohen syndrome (COH1). Also called: PEPPER SYNDROME; Cutis verticis gyrata, retinitis pigmentosa, and sensorineural deafness. Identifiers: Orphanet 193, MedGen C0265223, MONDO:0008999, OMIM 216550.

Allele frequency attached by ClinVar (database versions not stated): ESP Exome Variant Server 0.00208; 1000 Genomes Project 0.00240; 1000 Genomes Project 30x 0.00265.
gnomAD v4.1: 841 of 1,605,558 alleles (0.052%); highest among the groups gnomAD compares: African/African-American, 1%; 3 homozygotes.

Submissions (3):

Women's Health and Genetics/Laboratory Corporation of America, LabCorp
Classification: Benign. Last evaluated: 2026-04-01. Review status: criteria provided, single submitter. Criteria: LabCorp Variant Classification Summary - May 2015. Collection method: clinical testing. Allele origin: germline.
Comment: Variant summary: VPS13B c.9817+13C>T alters a non-conserved nucleotide located at a position not widely known to affect splicing. Consensus agreement among computation tools predict no significant impact on normal splicing. However, these predictions have yet to be confirmed by functional studies. The variant allele was found at a frequency of 0.00065 in 248278 control chromosomes, predominantly at a frequency of 0.0092 within the African or African-American subpopulation in the gnomAD database. The observed variant frequency within African or African-American control individuals in the gnomAD database exceeds the estimated maximal expected allele frequency for disease-causing variants in VPS13B. To our knowledge, no occurrence of c.9817+13C>T in individuals affected with VPS13B-related conditions and no experimental evidence demonstrating its impact on protein function have been reported. ClinVar contains an entry for this variant (Variation ID: 1164436). Based on the evidence outlined above, the variant was classified as benign.

Labcorp Genetics (formerly Invitae), Labcorp
Classification: Benign for Cohen syndrome. Last evaluated: 2026-02-01. Review status: criteria provided, single submitter. Criteria: Invitae Variant Classification Sherloc (09022015). Collection method: clinical testing. Allele origin: germline.

Blueprint Genetics
Classification: Likely benign. Last evaluated: 2024-11-06. Review status: criteria provided, single submitter. Criteria: ACMG Guidelines, 2015. Collection method: clinical testing. Allele origin: germline.